The following is an entry in ClinVar:

ClinVar aggregate classification (germline): Likely benign (0 of 4 stars; one submission).

Conditions:
ABCD4-related disorder. Also called: ABCD4-related condition.

Allele frequency attached by ClinVar (database versions not stated): TOPMed 0.00013; gnomAD 0.00017; 1000 Genomes Project 0.00020; gnomAD exomes 0.00020; 1000 Genomes Project 30x 0.00031; ExAC 0.00059.
gnomAD v4.1: 308 of 1,571,388 alleles (0.02%); highest among the groups gnomAD compares: South Asian, 0.12%; 1 homozygote.

Submission:

PreventionGenetics, part of Exact Sciences
Classification: Likely benign for ABCD4-related condition. Last evaluated: 2019-07-22. Review status: no assertion criteria provided. Collection method: clinical testing. Allele origin: germline.
Comment: This variant is classified as likely benign based on ACMG/AMP sequence variant interpretation guidelines (Richards et al. 2015 PMID: 25741868, with internal and published modifications).

NM_005050.4(ABCD4):c.1506+63A>G

Gene: ABCD4 (ATP binding cassette subfamily D member 4; minus strand). Cytogenetic location: 14q24.3.
Variant type: single nucleotide variant.
Coding change: c.1506+63A>G on transcript NM_005050.4 (MANE Select); 63 bases into the intron after coding-DNA position 1506, A replaced by G.
Molecular consequence: intron variant.
Genome position (GRCh38, 1-based): chr14:74,288,653, T>C on the plus strand (A>G on the coding strand, the complement: ABCD4 is on the minus strand). VCF-style: chr14-74288653-T-C. GRCh37 (hg19) VCF-style: chr14-74755356-T-C.
Other names: c.717+63A>G (NM_001353607.2, NM_001353604.2, NM_001353603.2 and 5 more transcripts); c.1029+63A>G (NM_001353598.2, NM_001353601.2, NM_001353600.2 and 2 more transcripts); c.1194+63A>G (NM_001353594.2); c.1245+63A>G (NM_001353593.2); c.1041+63A>G (NM_001353597.2); c.1092+63A>G (NM_001353596.2, NM_001353595.2); c.1380+63A>G (NM_001353591.2, NM_001353592.2); c.773+7A>G (NM_001353610.2); and 1 more.
Identifiers: ClinVar variation 3049688 (VCV003049688.2), dbSNP rs557254765, ClinGen allele CA7266747.